The following is an entry in ClinVar:

NM_206937.2(LIG4):c.1243_1244del (p.Val414_Ile415insTer)

Gene: LIG4 (DNA ligase 4; minus strand). Cytogenetic location: 13q33.3.
Variant type: Deletion.
Coding change: c.1243_1244del on transcript NM_206937.2 (MANE Select); coding-DNA positions 1243 to 1244, 2 bases deleted (AT; older notation c.1243_1244delAT).
Protein change: p.Val414_Ile415insTer.
Molecular consequence: nonsense.
Genome position (GRCh38, 1-based): chr13:108,210,025-108,210,026, AT deleted on the plus strand (AT on the coding strand, the reverse complement: LIG4 is on the minus strand). VCF-style (leftmost placement, unchanged base first): chr13-108210024-AAT-A. GRCh37 (hg19) VCF-style: chr13-108862372-AAT-A.
Other names: c.1243_1244del, p.Val414_Ile415insTer (NM_001098268.2, NM_001352598.2, NM_001352599.2 and 6 more transcripts); c.1042_1043del, p.Val347_Ile348insTer (NM_001330595.2); c.1279_1280del, p.Val426_Ile427insTer (NM_001352604.2).
Identifiers: ClinVar variation 2831186 (VCV002831186.3), dbSNP rs2501605250, ClinGen allele CA2739277748.

ClinVar aggregate classification (germline): Pathogenic (1 of 4 stars; one submission).

Conditions:
DNA ligase IV deficiency. Identifiers: Orphanet 99812, MedGen C1847827, MONDO:0011686, OMIM 606593.

Submission:

Labcorp Genetics (formerly Invitae), Labcorp
Classification: Pathogenic for DNA ligase IV deficiency. Last evaluated: 2023-01-22. Review status: criteria provided, single submitter. Criteria: Invitae Variant Classification Sherloc (09022015). Collection method: clinical testing. Allele origin: germline.
Comment: This variant disrupts a region of the LIG4 protein in which other variant(s) (p.Arg814* ) have been determined to be pathogenic (PMID: 11779494, 15333585; Invitae). This suggests that this is a clinically significant region of the protein, and that variants that disrupt it are likely to be disease-causing. For these reasons, this variant has been classified as Pathogenic. This variant has not been reported in the literature in individuals affected with LIG4-related conditions. This variant is not present in population databases (gnomAD no frequency). This sequence change creates a premature translational stop signal (p.Ile415*) in the LIG4 gene. While this is not anticipated to result in nonsense mediated decay, it is expected to disrupt the last 497 amino acid(s) of the LIG4 protein.

Literature cited by the submitters: PubMed 11779494; PubMed 15333585.